The following is an entry in ClinVar:

NM_004656.4(BAP1):c.123-1G>T

Gene: BAP1 (BRCA1 associated deubiquitinase 1; minus strand). Cytogenetic location: 3p21.1.
Variant type: single nucleotide variant.
Coding change: c.123-1G>T on transcript NM_004656.4 (MANE Select); the canonical splice acceptor site of the intron before coding-DNA position 123, G replaced by T.
Molecular consequence: splice acceptor variant.
Genome position (GRCh38, 1-based): chr3:52,408,607, C>A on the plus strand (G>T on the coding strand, the complement: BAP1 is on the minus strand). VCF-style: chr3-52408607-C-A. GRCh37 (hg19) VCF-style: chr3-52442623-C-A.
Other names: c.123-1G>T (NM_001410772.1).
Identifiers: ClinVar variation 4842541 (VCV004842541.1).
Genomic context (GRCh38, chr3:52,408,607, plus strand): 5'-TTTCGCCGGGACCGGCGCTCTTCGATCCATTTGAACAGGAAGATAAATCCATATACAGGG[C>A]TGGGGGAAGTAAGGGGCAGAGCCAGATCAGCCAAAGGGGAGAAGACAATCAGCATTCCCT-3'

ClinVar aggregate classification (germline): Pathogenic (1 of 4 stars; one submission).

Conditions:
Hereditary cancer-predisposing syndrome. Also called: Neoplastic Syndromes, Hereditary; Tumor predisposition; Hereditary Cancer Syndrome; Hereditary neoplastic syndrome. Identifiers: Orphanet 140162, MedGen C0027672, MeSH D009386, MONDO:0015356.

Submission:

Ambry Genetics
Classification: Pathogenic for Hereditary cancer-predisposing syndrome. Last evaluated: 2025-12-16. Review status: criteria provided, single submitter. Criteria: Ambry Variant Classification Scheme 2023. Collection method: clinical testing. Allele origin: germline.
Comment: The c.123-1G>T intronic pathogenic mutation results from a G to T substitution one nucleotide upstream from coding exon 4 of the BAP1 gene. Alterations that disrupt the canonical splice site are expected to cause aberrant splicing, resulting in an abnormal protein or a transcript that is subject to nonsense-mediated mRNA decay. In silico splice site analysis predicts that this alteration will weaken the native splice acceptor site and may result in the creation or strengthening of a novel splice acceptor site. RNA studies have demonstrated that this alteration results in abnormal splicing in the set of samples tested (Ambry internal data). This alteration was non-functional in a high throughput genome editing haploid cell survival functional assay (Waters AJ et al. Nat Genet, 2024 Jul;56:1434-1445). This variant is considered to be rare based on population cohorts in the Genome Aggregation Database (gnomAD). Based on the supporting evidence, this variant is interpreted as a disease-causing mutation.

Literature cited by the submitters: PubMed 38969833.